The following is an entry in ClinVar:

ClinVar aggregate classification (germline): Uncertain significance (1 of 4 stars; one submission).

Conditions:
Charcot-Marie-Tooth disease type 2. Also called: Charcot-Marie-Tooth type 2. Identifiers: Orphanet 64746, MedGen C0270914, MONDO:0018993.

Allele frequency attached by ClinVar (database versions not stated): ExAC 0.00001; gnomAD exomes 0.00001.
gnomAD v4.1: 3 of 1,613,808 alleles (0.00019%); highest among the groups gnomAD compares: Admixed American, 0.005%; no homozygotes.

Submission:

Labcorp Genetics (formerly Invitae), Labcorp
Classification: Uncertain significance for Charcot-Marie-Tooth disease type 2. Last evaluated: 2021-11-01. Review status: criteria provided, single submitter. Criteria: Invitae Variant Classification Sherloc (09022015). Collection method: clinical testing. Allele origin: germline.
Comment: In summary, the available evidence is currently insufficient to determine the role of this variant in disease. Therefore, it has been classified as a Variant of Uncertain Significance. Algorithms developed to predict the effect of missense changes on protein structure and function are either unavailable or do not agree on the potential impact of this missense change (SIFT: "Tolerated"; PolyPhen-2: "Possibly Damaging"; Align-GVGD: "Class C0"). This variant has not been reported in the literature in individuals affected with GARS-related conditions. This variant is present in population databases (rs750501453, gnomAD 0.009%). This sequence change replaces valine, which is neutral and non-polar, with alanine, which is neutral and non-polar, at codon 719 of the GARS protein (p.Val719Ala).

NM_002047.4(GARS1):c.2156T>C (p.Val719Ala)

Gene: GARS1 (glycyl-tRNA synthetase 1; plus strand). Cytogenetic location: 7p14.3.
Variant type: single nucleotide variant.
Coding change: c.2156T>C on transcript NM_002047.4 (MANE Select); coding-DNA position 2156, T replaced by C.
Protein change: p.Val719Ala; replaces valine 719 with alanine.
Molecular consequence: missense variant.
Genome position (GRCh38, 1-based): chr7:30,633,796, T>C. VCF-style: chr7-30633796-T-C. GRCh37 (hg19) VCF-style: chr7-30673412-T-C.
Other names: c.1994T>C, p.Val665Ala (NM_001316772.1); short protein forms V665A, V719A.
Identifiers: ClinVar variation 1680964 (VCV001680964.6), dbSNP rs750501453, ClinGen allele CA4206172.